The following is an entry in ClinVar:

NM_025137.4(SPG11):c.722A>T (p.His241Leu)

Gene: SPG11 (SPG11 vesicle trafficking associated, spatacsin; minus strand). Cytogenetic location: 15q21.1.
Variant type: single nucleotide variant.
Coding change: c.722A>T on transcript NM_025137.4 (MANE Select); coding-DNA position 722, A replaced by T.
Protein change: p.His241Leu; replaces histidine 241 with leucine.
Molecular consequence: missense variant.
Genome position (GRCh38, 1-based): chr15:44,657,242, T>A on the plus strand (A>T on the coding strand, the complement: SPG11 is on the minus strand). VCF-style: chr15-44657242-T-A. GRCh37 (hg19) VCF-style: chr15-44949440-T-A.
Other names: c.722A>T, p.His241Leu (NM_001160227.2); short protein forms H241L.
Identifiers: ClinVar variation 663596 (VCV000663596.8), dbSNP rs993836774, ClinGen allele CA270107602.

ClinVar aggregate classification (germline): Uncertain significance (1 of 4 stars; one submission).

Conditions:
Hereditary spastic paraplegia 11. Also called: Spastic paraplegia, mental retardation and thin corpus callosum; Nakamura Osame syndrome; Autosomal recessive hereditary spastic paraplegia, mental impairment, and thin corpus callosum; SPASTIC PARAPLEGIA, AUTOSOMAL RECESSIVE, COMPLICATED, WITH THIN CORPUS CALLOSUM; SPASTIC PARAPLEGIA, AUTOSOMAL RECESSIVE, WITH MENTAL IMPAIRMENT AND THIN CORPUS CALLOSUM; Spastic Paraplegia 11. Identifiers: Orphanet 2822, MedGen C1858479, MONDO:0011445, OMIM 604360.

Allele frequency attached by ClinVar (database versions not stated): gnomAD exomes 0.00001.
gnomAD v4.1: 15 of 1,614,218 alleles (0.00093%); highest among the groups gnomAD compares: Non-Finnish European, 0.0013%; no homozygotes.

Submission:

Labcorp Genetics (formerly Invitae), Labcorp
Classification: Uncertain significance for Hereditary spastic paraplegia 11. Last evaluated: 2021-08-31. Review status: criteria provided, single submitter. Criteria: Invitae Variant Classification Sherloc (09022015). Collection method: clinical testing. Allele origin: germline.
Comment: This sequence change replaces histidine with leucine at codon 241 of the SPG11 protein (p.His241Leu). The histidine residue is moderately conserved and there is a moderate physicochemical difference between histidine and leucine. This variant is not present in population databases (ExAC no frequency). This variant has not been reported in the literature in individuals affected with SPG11-related conditions. Algorithms developed to predict the effect of missense changes on protein structure and function output the following: SIFT: "Tolerated"; PolyPhen-2: "Benign"; Align-GVGD: "Class C0". The leucine amino acid residue is found in multiple mammalian species, which suggests that this missense change does not adversely affect protein function. In summary, the available evidence is currently insufficient to determine the role of this variant in disease. Therefore, it has been classified as a Variant of Uncertain Significance.